The following is an entry in ClinVar:

ClinVar aggregate classification (germline): Uncertain significance (1 of 4 stars; one submission).

Conditions:
Primary ciliary dyskinesia. Also called: Ciliary dyskinesia. Identifiers: Orphanet 244, MedGen C0008780, MONDO:0016575, HP:0012265.

Submission:

Labcorp Genetics (formerly Invitae), Labcorp
Classification: Uncertain significance for Primary ciliary dyskinesia. Last evaluated: 2022-11-22. Review status: criteria provided, single submitter. Criteria: Invitae Variant Classification Sherloc (09022015). Collection method: clinical testing. Allele origin: germline.
Comment: In summary, the available evidence is currently insufficient to determine the role of this variant in disease. Therefore, it has been classified as a Variant of Uncertain Significance. Algorithms developed to predict the effect of missense changes on protein structure and function (SIFT, PolyPhen-2, Align-GVGD) all suggest that this variant is likely to be disruptive. This variant has not been reported in the literature in individuals affected with CCDC39-related conditions. This variant is not present in population databases (gnomAD no frequency). This sequence change replaces leucine, which is neutral and non-polar, with proline, which is neutral and non-polar, at codon 72 of the CCDC39 protein (p.Leu72Pro).

NM_181426.2(CCDC39):c.215T>C (p.Leu72Pro)

Gene: CCDC39 (coiled-coil domain 39 molecular ruler complex subunit; minus strand). Cytogenetic location: 3q26.33.
Variant type: single nucleotide variant.
Coding change: c.215T>C on transcript NM_181426.2 (MANE Select); coding-DNA position 215, T replaced by C.
Protein change: p.Leu72Pro; replaces leucine 72 with proline.
Molecular consequence: missense variant.
Genome position (GRCh38, 1-based): chr3:180,662,003, A>G on the plus strand (T>C on the coding strand, the complement: CCDC39 is on the minus strand). VCF-style: chr3-180662003-A-G. GRCh37 (hg19) VCF-style: chr3-180379791-A-G.
Other names: short protein forms L72P.
Identifiers: ClinVar variation 1716952 (VCV001716952.6), dbSNP rs2473826351, ClinGen allele CA355304142.